The following is an entry in ClinVar:

NM_182914.3(SYNE2):c.14908T>C (p.Trp4970Arg)

Gene: SYNE2 (spectrin repeat containing nuclear envelope protein 2; plus strand). Cytogenetic location: 14q23.2.
Variant type: single nucleotide variant.
Coding change: c.14908T>C on transcript NM_182914.3 (MANE Select); coding-DNA position 14908, T replaced by C.
Protein change: p.Trp4970Arg; replaces tryptophan 4970 with arginine.
Molecular consequence: missense variant.
Genome position (GRCh38, 1-based): chr14:64,140,005, T>C. VCF-style: chr14-64140005-T-C. GRCh37 (hg19) VCF-style: chr14-64606723-T-C.
Other names: c.14908T>C, p.Trp4970Arg (NM_015180.6); short protein forms W4970R.
Identifiers: ClinVar variation 860689 (VCV000860689.9), dbSNP rs1442905244, ClinGen allele CA389939454.

ClinVar aggregate classification (germline): Uncertain significance (1 of 4 stars; one submission).

Conditions:
Emery-Dreifuss muscular dystrophy 5, autosomal dominant (EDMD5). Also called: EMERY-DREIFUSS MUSCULAR DYSTROPHY 5. Identifiers: Orphanet 261, MedGen C2751805, MONDO:0013072, OMIM 612999.

Allele frequency attached by ClinVar (database versions not stated): gnomAD exomes below 0.00001; TOPMed below 0.00001; gnomAD 0.00001 and 0.00002.
gnomAD v4.1: 8 of 1,613,952 alleles (0.0005%); highest among the groups gnomAD compares: African/African-American, 0.004%; no homozygotes.

Submission:

Labcorp Genetics (formerly Invitae), Labcorp
Classification: Uncertain significance for Emery-Dreifuss muscular dystrophy 5, autosomal dominant. Last evaluated: 2025-09-05. Review status: criteria provided, single submitter. Criteria: Invitae Variant Classification Sherloc (09022015). Collection method: clinical testing. Allele origin: germline.
Comment: This sequence change replaces tryptophan, which is neutral and slightly polar, with arginine, which is basic and polar, at codon 4970 of the SYNE2 protein (p.Trp4970Arg). This variant is present in population databases (no rsID available, gnomAD 0.008%). This variant has not been reported in the literature in individuals affected with SYNE2-related conditions. ClinVar contains an entry for this variant (Variation ID: 860689). An algorithm developed to predict the effect of missense changes on protein structure and function (PolyPhen-2) suggests that this variant is likely to be disruptive. In summary, the available evidence is currently insufficient to determine the role of this variant in disease. Therefore, it has been classified as a Variant of Uncertain Significance.